The following is an entry in ClinVar:

NM_003482.4(KMT2D):c.3579C>T (p.Ala1193=)

Genes: KMT2D (lysine methyltransferase 2D; minus strand), LOC126861520 (CDK7 strongly-dependent group 2 enhancer GRCh37_chr12:49442744-49443943; plus strand). Cytogenetic location: 12q13.12.
Variant type: single nucleotide variant.
Coding change: c.3579C>T on transcript NM_003482.4 (MANE Select); coding-DNA position 3579, C replaced by T.
Protein change: p.Ala1193=; no amino-acid change (alanine 1193 retained).
Molecular consequence: synonymous variant.
Genome position (GRCh38, 1-based): chr12:49,050,009, G>A on the plus strand (C>T on the coding strand, the complement: KMT2D is on the minus strand). VCF-style: chr12-49050009-G-A. GRCh37 (hg19) VCF-style: chr12-49443792-G-A.
Identifiers: ClinVar variation 3055866 (VCV003055866.2), dbSNP rs2120644292, ClinGen allele CA479713615.

ClinVar aggregate classification (germline): Likely benign (0 of 4 stars; one submission).

Conditions:
KMT2D-related disorder. Also called: KMT2D-Related Disorders.

Submission:

PreventionGenetics, part of Exact Sciences
Classification: Likely benign for KMT2D-related condition. Last evaluated: 2021-05-11. Review status: no assertion criteria provided. Collection method: clinical testing. Allele origin: germline.
Comment: This variant is classified as likely benign based on ACMG/AMP sequence variant interpretation guidelines (Richards et al. 2015 PMID: 25741868, with internal and published modifications).